The following is an entry in ClinVar:

NM_000069.3(CACNA1S):c.4365G>A (p.Leu1455=)

Gene: CACNA1S (calcium voltage-gated channel subunit alpha1 S; minus strand). Cytogenetic location: 1q32.1.
Variant type: single nucleotide variant.
Coding change: c.4365G>A on transcript NM_000069.3 (MANE Select); coding-DNA position 4365, G replaced by A.
Protein change: p.Leu1455=; no amino-acid change (leucine 1455 retained).
Molecular consequence: synonymous variant.
Genome position (GRCh38, 1-based): chr1:201,048,658, C>T on the plus strand (G>A on the coding strand, the complement: CACNA1S is on the minus strand). VCF-style: chr1-201048658-C-T. GRCh37 (hg19) VCF-style: chr1-201017786-C-T.
Identifiers: ClinVar variation 3031550 (VCV003031550.3), dbSNP rs190781522, ClinGen allele CA36000327.

ClinVar aggregate classification (germline): Likely benign. Review status: criteria provided, single submitter (1 of 4 stars). 2 submissions from 2 submitters: Likely benign (1). 1 of the submissions does not count toward it. Last evaluated 2023-11-20.

Conditions:
CACNA1S-related disorder. Also called: CACNA1S-related condition.
Malignant hyperthermia, susceptibility to, 5 (MHS5). Also called: CACNA1S-Related Malignant Hyperthermia Susceptibility. Identifiers: Orphanet 423, MedGen C1866077, MONDO:0011163, OMIM 601887.

Allele frequency attached by ClinVar (database versions not stated): gnomAD 0.00002; TOPMed 0.00002; 1000 Genomes Project 30x 0.00016; 1000 Genomes Project 0.00020; gnomAD exomes 0.00001.
gnomAD v4.1: 24 of 1,613,328 alleles (0.0015%); highest among the groups gnomAD compares: Non-Finnish European, 0.0019%; no homozygotes.

Submissions (2):

All of Us Research Program, National Institutes of Health
Classification: Likely benign for Malignant hyperthermia, susceptibility to, 5. Last evaluated: 2023-11-20. Review status: criteria provided, single submitter. Criteria: ACMG Guidelines, 2015. Collection method: clinical testing. Allele origin: germline. Inheritance: Autosomal dominant inheritance. Observed: 2 variant alleles, 2 heterozygotes.
Comment: This study involves interpretation of variants in research participants for the purpose of population health screening. Participant phenotype was not available at the time of variant classification. Additional details can be found in publication PMID: 35346344, PMCID: PMC8962531

PreventionGenetics, part of Exact Sciences
Classification: Likely benign for CACNA1S-related condition. Last evaluated: 2021-02-09. Review status: no assertion criteria provided. Collection method: clinical testing. Allele origin: germline. Not counted in ClinVar's aggregate classification.
Comment: This variant is classified as likely benign based on ACMG/AMP sequence variant interpretation guidelines (Richards et al. 2015 PMID: 25741868, with internal and published modifications).